The following is an entry in ClinVar:

ClinVar aggregate classification (germline): Pathogenic (1 of 4 stars; one submission).

Submission:

Athena Diagnostics
Classification: Pathogenic. Last evaluated: 2023-11-02. Review status: criteria provided, single submitter. Criteria: Athena Diagnostics Criteria. Collection method: clinical testing. Allele origin: unknown.
Comment: This variant is expected to result in the loss of a functional protein. This variant has not been reported in large, multi-ethnic general populations. This variant has been identified in at least one individual tested at Athena Diagnostics with clinical features associated with this gene.

NM_001127222.2(CACNA1A):c.3502del (p.Val1168fs)

Gene: CACNA1A (calcium voltage-gated channel subunit alpha1 A; minus strand). Cytogenetic location: 19p13.13.
Variant type: Deletion.
Coding change: c.3502del on transcript NM_001127222.2 (MANE Select); coding-DNA position 3502, one base deleted (G; older notation c.3502delG).
Protein change: p.Val1168fs; shifts the reading frame from valine 1168.
Molecular consequence: frameshift variant.
Genome position (GRCh38, 1-based): chr19:13,286,554, C deleted on the plus strand (G on the coding strand, the reverse complement: CACNA1A is on the minus strand). VCF-style (leftmost placement, unchanged base first): chr19-13286553-AC-A. GRCh37 (hg19) VCF-style: chr19-13397367-AC-A.
Other names: c.3514del, p.Val1172fs (NM_000068.4, NM_023035.3); c.3505del, p.Val1169fs (NM_001127221.2, NM_001174080.2); short protein forms V1169fs, V1168fs, V1172fs.
Identifiers: ClinVar variation 3571897 (VCV003571897.1).
Genomic context (GRCh38, chr19:13,286,553, plus strand): 5'-AGGGTCTCACCTTGTACGACGGTGTGGTTGAGGGGGGGTGGGCAGGCTGGGGGGATGTCC[AC>A]TGTGGTGTGGTCGGGTTTCCTGGCAGTCTTAGCTGAATTGGTCTGGGTGCCGCTGGGGTT-3'